The following is an entry in ClinVar:

ClinVar aggregate classification (germline): Uncertain significance (1 of 4 stars; one submission).

Submission:

Labcorp Genetics (formerly Invitae), Labcorp
Classification: Uncertain significance. Last evaluated: 2025-03-04. Review status: criteria provided, single submitter. Criteria: Invitae Variant Classification Sherloc (09022015). Collection method: clinical testing. Allele origin: germline.
Comment: This sequence change replaces isoleucine, which is neutral and non-polar, with arginine, which is basic and polar, at codon 1360 of the ANKRD26 protein (p.Ile1360Arg). This variant is not present in population databases (gnomAD no frequency). This variant has not been reported in the literature in individuals affected with ANKRD26-related conditions. An algorithm developed to predict the effect of missense changes on protein structure and function (PolyPhen-2) suggests that this variant is likely to be tolerated. In summary, the available evidence is currently insufficient to determine the role of this variant in disease. Therefore, it has been classified as a Variant of Uncertain Significance.

NM_014915.3(ANKRD26):c.4079T>G (p.Ile1360Arg)

Gene: ANKRD26 (ankyrin repeat domain 26; minus strand). Cytogenetic location: 10p12.1.
Variant type: single nucleotide variant.
Coding change: c.4079T>G on transcript NM_014915.3 (MANE Select); coding-DNA position 4079, T replaced by G.
Protein change: p.Ile1360Arg; replaces isoleucine 1360 with arginine.
Molecular consequence: missense variant.
Genome position (GRCh38, 1-based): chr10:27,024,453, A>C on the plus strand (T>G on the coding strand, the complement: ANKRD26 is on the minus strand). VCF-style: chr10-27024453-A-C. GRCh37 (hg19) VCF-style: chr10-27313382-A-C.
Other names: c.4076T>G, p.Ile1359Arg (NM_001256053.2); short protein forms I1359R, I1360R.
Identifiers: ClinVar variation 4705337 (VCV004705337.1).